The following is an entry in ClinVar:

ClinVar aggregate classification (germline): Uncertain significance. Review status: criteria provided, multiple submitters, no conflicts (2 of 4 stars). 2 submissions from 2 submitters: Uncertain significance (2). Last evaluated 2026-03-04.

Conditions:
Inborn genetic diseases. Identifiers: MedGen C0950123, MeSH D030342.

Submissions (2):

GeneDx
Classification: Uncertain significance. Last evaluated: 2026-03-04. Review status: criteria provided, single submitter. Criteria: GeneDx Variant Classification Process June 2021. Collection method: clinical testing. Allele origin: germline.
Comment: Not observed at significant frequency in large population cohorts (gnomAD); In silico analysis supports that this missense variant has a deleterious effect on protein structure/function; Has not been previously published as pathogenic or benign to our knowledge

Ambry Genetics
Classification: Uncertain significance for Inborn genetic diseases. Last evaluated: 2024-04-04. Review status: criteria provided, single submitter. Criteria: Ambry Variant Classification Scheme 2023. Collection method: clinical testing. Allele origin: germline.

NM_207037.2(TCF12):c.1760A>G (p.Asp587Gly)

Gene: TCF12 (transcription factor 12; plus strand). Cytogenetic location: 15q21.3.
Variant type: single nucleotide variant.
Coding change: c.1760A>G on transcript NM_207037.2 (MANE Select); coding-DNA position 1760, A replaced by G.
Protein change: p.Asp587Gly; replaces aspartic acid 587 with glycine.
Molecular consequence: missense variant.
Genome position (GRCh38, 1-based): chr15:57,273,044, A>G. VCF-style: chr15-57273044-A-G. GRCh37 (hg19) VCF-style: chr15-57565242-A-G.
Other names: c.1688A>G, p.Asp563Gly (NM_001322157.3, NM_001322165.2, NM_003205.4 and 1 more transcripts); c.1514A>G, p.Asp505Gly (NM_001322158.2); c.1760A>G, p.Asp587Gly (NM_001322159.3, NM_001322162.2, NM_207036.2 and 1 more transcripts); c.1757A>G, p.Asp586Gly (NM_001322161.2, NM_001322152.2); c.1724A>G, p.Asp575Gly (NM_001322164.2); c.1760A>G (NM_207036.1); c.1250A>G, p.Asp417Gly (NM_001306219.3); c.980A>G, p.Asp327Gly (NM_001306220.3); and 3 more; short protein forms D327G, D505G, D575G, D586G, D393G, D587G, D368G, D563G.
Identifiers: ClinVar variation 3324935 (VCV003324935.2).